The following is an entry in ClinVar:

NM_001001548.3(CD36):c.1126-1G>A

Gene: CD36 (CD36 molecule (CD36 blood group); plus strand). Cytogenetic location: 7q21.11.
Variant type: single nucleotide variant.
Coding change: c.1126-1G>A on transcript NM_001001548.3 (MANE Select); the canonical splice acceptor site of the intron before coding-DNA position 1126, G replaced by A.
Molecular consequence: splice acceptor variant.
Genome position (GRCh38, 1-based): chr7:80,672,769, G>A. VCF-style: chr7-80672769-G-A. GRCh37 (hg19) VCF-style: chr7-80302085-G-A.
Other names: c.1126-1G>A (NM_001371075.1, NM_001001547.3, NM_001371074.1 and 5 more transcripts); c.661-1G>A (NM_001371081.1, NM_001371080.1); c.898-1G>A (NM_001289911.2); c.1024-1G>A (NM_001371079.1); c.946-1G>A (NM_001289909.1); c.1009-1G>A (NM_001289908.1).
Identifiers: ClinVar variation 3242112 (VCV003242112.1), dbSNP rs2535904850.
Genomic context (GRCh38, chr7:80,672,769, plus strand): 5'-TTTGAATAGTATAAAATAATGTTTTTAAAAGTTGGTAATTATTTAGTTGTTCTCTTTTTA[G>A]ATAACTGGATTCACTTTACAATTTGCAAAACGGCTGCAGGTCAACCTATTGGTCAAGCCA-3'

ClinVar aggregate classification (germline): Likely pathogenic (1 of 4 stars; one submission).

Conditions:
Platelet-type bleeding disorder 10. Also called: CD36 DEFICIENCY. Identifiers: MedGen C1842090, MONDO:0012031, OMIM 608404.

gnomAD v4.1: 1 of 1,601,942 alleles (0.000062%); highest among the groups gnomAD compares: South Asian, 0.0011%; no homozygotes.

Submission:

Neuberg Centre For Genomic Medicine, NCGM
Classification: Likely pathogenic for Platelet-type bleeding disorder 10. Review status: criteria provided, single submitter. Criteria: ACMG Guidelines, 2015. Collection method: clinical testing. Allele origin: germline. Inheritance: Autosomal recessive inheritance. Affected: yes.
Comment: The invariant splice acceptor c.1126-1G>A in CD36 gene not been reported previously as a pathogenic variant nor as a benign variant, to our knowledge. The observed variant is absent in gnomAD exomes database. It has not been submitted to the ClinVar database. SpliceAI predicts a damaging effect with an acceptor gain score of 1.00 for this variant. Loss of function variants have been previously reported to be disease causing. For these reasons, this variant has been classified as Likely Pathogenic.